The following is an entry in ClinVar:

NM_018127.7(ELAC2):c.50C>G (p.Ser17Trp)

Gene: ELAC2 (elaC ribonuclease Z 2; minus strand). Cytogenetic location: 17p12.
Variant type: single nucleotide variant.
Coding change: c.50C>G on transcript NM_018127.7 (MANE Select); coding-DNA position 50, C replaced by G.
Protein change: p.Ser17Trp; replaces serine 17 with tryptophan.
Molecular consequence: missense variant.
Genome position (GRCh38, 1-based): chr17:13,017,898, G>C on the plus strand (C>G on the coding strand, the complement: ELAC2 is on the minus strand). VCF-style: chr17-13017898-G-C. GRCh37 (hg19) VCF-style: chr17-12921215-G-C.
Other names: c.50C>G, p.Ser17Trp (NM_001165962.2, NM_173717.2); short protein forms S17W.
Identifiers: ClinVar variation 2189398 (VCV002189398.3), dbSNP rs765096739, ClinGen allele CA398219366.
Genomic context (GRCh38, chr17:13,017,898, plus strand): 5'-AGCGGGTCCTTGCGCGGCCGCTCGCGGCGGGCGGGTGCCTGCGATATGGTGCGTCCCTGC[G>C]ACATGGTGCGTCCGGCCGCGGACCGCAGCAGCGAGCAAAGCGCCCACATGCGCCCGTCTC-3'
Protein context (NP_060597.4, residues 7-27): LLRSAAGRTM[Ser17Trp]QGRTISQAPA

ClinVar aggregate classification (germline): Uncertain significance (1 of 4 stars; one submission).

Conditions:
Combined oxidative phosphorylation defect type 17. Also called: Combined oxidative phosphorylation deficiency 17. Identifiers: Orphanet 369913, MedGen C3809526, MONDO:0014190, OMIM 615440.

Submission:

Labcorp Genetics (formerly Invitae), Labcorp
Classification: Uncertain significance for Combined oxidative phosphorylation defect type 17. Last evaluated: 2022-02-08. Review status: criteria provided, single submitter. Criteria: Invitae Variant Classification Sherloc (09022015). Collection method: clinical testing. Allele origin: germline.
Comment: In summary, the available evidence is currently insufficient to determine the role of this variant in disease. Therefore, it has been classified as a Variant of Uncertain Significance. Algorithms developed to predict the effect of missense changes on protein structure and function are either unavailable or do not agree on the potential impact of this missense change (SIFT: "Deleterious"; PolyPhen-2: "Benign"; Align-GVGD: "Class C0"). This variant has not been reported in the literature in individuals affected with ELAC2-related conditions. This variant is not present in population databases (gnomAD no frequency). This sequence change replaces serine, which is neutral and polar, with tryptophan, which is neutral and slightly polar, at codon 17 of the ELAC2 protein (p.Ser17Trp).